The following is an entry in ClinVar:

NM_005732.4(RAD50):c.3319A>T (p.Met1107Leu)

Gene: RAD50 (RAD50 double strand break repair protein; plus strand). Cytogenetic location: 5q31.1.
Variant type: single nucleotide variant.
Coding change: c.3319A>T on transcript NM_005732.4 (MANE Select); coding-DNA position 3319, A replaced by T.
Protein change: p.Met1107Leu; replaces methionine 1107 with leucine.
Molecular consequence: missense variant.
Genome position (GRCh38, 1-based): chr5:132,618,224, A>T. VCF-style: chr5-132618224-A-T. GRCh37 (hg19) VCF-style: chr5-131953916-A-T.
Other names: short protein forms M1107L.
Identifiers: ClinVar variation 569529 (VCV000569529.9), dbSNP rs587782508, ClinGen allele CA360964851.

ClinVar aggregate classification (germline): Uncertain significance (1 of 4 stars; one submission).

Conditions:
Hereditary cancer-predisposing syndrome. Also called: Hereditary neoplastic syndrome; Tumor predisposition; Neoplastic Syndromes, Hereditary; Hereditary Cancer Syndrome. Identifiers: Orphanet 140162, MedGen C0027672, MeSH D009386, MONDO:0015356.

Submission:

Labcorp Genetics (formerly Invitae), Labcorp
Classification: Uncertain significance for Hereditary cancer-predisposing syndrome. Last evaluated: 2022-01-27. Review status: criteria provided, single submitter. Criteria: Invitae Variant Classification Sherloc (09022015). Collection method: clinical testing. Allele origin: germline.
Comment: This variant is not present in population databases (gnomAD no frequency). This sequence change replaces methionine, which is neutral and non-polar, with leucine, which is neutral and non-polar, at codon 1107 of the RAD50 protein (p.Met1107Leu). This variant has not been reported in the literature in individuals affected with RAD50-related conditions. ClinVar contains an entry for this variant (Variation ID: 569529). Algorithms developed to predict the effect of missense changes on protein structure and function (SIFT, PolyPhen-2, Align-GVGD) all suggest that this variant is likely to be tolerated. In summary, the available evidence is currently insufficient to determine the role of this variant in disease. Therefore, it has been classified as a Variant of Uncertain Significance.